The following is an entry in ClinVar:

NM_000051.4(ATM):c.8780del (p.Phe2927fs)

Genes: C11orf65 (chromosome 11 open reading frame 65; minus strand), ATM (ATM serine/threonine kinase; plus strand). Cytogenetic location: 11q22.3.
Variant type: Deletion.
Coding change: c.8780del on transcript NM_000051.4 (MANE Select); coding-DNA position 8780, one base deleted (T; older notation c.8780delT).
Protein change: p.Phe2927fs; shifts the reading frame from phenylalanine 2927.
Molecular consequence: frameshift variant. On other transcripts: intron variant (2).
Genome position (GRCh38, 1-based): chr11:108,353,874, T deleted; the last of 2 consecutive T bases (chr11:108,353,873-108,353,874); deleting either gives the same sequence. VCF-style (leftmost placement, unchanged base first): chr11-108353872-CT-C. GRCh37 (hg19) VCF-style: chr11-108224599-CT-C.
Other names: c.8780delT, p.Phe2927Serfs (NM_000051.3); c.8780del, p.Phe2927fs (NM_001351834.2); c.640+32047del (NM_001330368.2); c.695-18581del (NM_001351110.2); short protein forms F2927fs.
Identifiers: ClinVar variation 955701 (VCV000955701.9), dbSNP rs2089522517, ClinGen allele CA1139662280.

ClinVar aggregate classification (germline): Pathogenic (1 of 4 stars; one submission).

Conditions:
Ataxia-telangiectasia syndrome (AT). Also called: Ataxia-telangiectasia, complementation group D; AT, COMPLEMENTATION GROUP C; ATAXIA-TELANGIECTASIA, COMPLEMENTATION GROUP A; ATAXIA-TELANGIECTASIA, FRESNO VARIANT; Ataxia-telangiectasia; Ataxia telangiectasia (A-T). Identifiers: Orphanet 100, MedGen C0004135, MONDO:0008840, OMIM 208900.

Submission:

Labcorp Genetics (formerly Invitae), Labcorp
Classification: Pathogenic for Ataxia-telangiectasia syndrome. Last evaluated: 2019-08-21. Review status: criteria provided, single submitter. Criteria: Invitae Variant Classification Sherloc (09022015). Collection method: clinical testing. Allele origin: germline.
Comment: Loss-of-function variants in ATM are known to be pathogenic (PMID: 23807571, 25614872). For these reasons, this variant has been classified as Pathogenic. This variant has not been reported in the literature in individuals with ATM-related conditions. This variant is not present in population databases (ExAC no frequency). This sequence change creates a premature translational stop signal (p.Phe2927Serfs*11) in the ATM gene. It is expected to result in an absent or disrupted protein product.

Literature cited by the submitters: PubMed 23807571; PubMed 25614872.